The following is an entry in ClinVar:

NM_152336.4(AGBL1):c.3323+1G>A

Genes: AGBL1 (AGBL carboxypeptidase 1; plus strand), LOC102724452 (uncharacterized LOC102724452; minus strand). Cytogenetic location: 15q25.3.
Variant type: single nucleotide variant.
Coding change: c.3323+1G>A on transcript NM_152336.4; the canonical splice donor site of the intron after coding-DNA position 3323, G replaced by A.
Molecular consequence: splice donor variant.
Genome position (GRCh38, 1-based): chr15:86,988,089, G>A. VCF-style: chr15-86988089-G-A. GRCh37 (hg19) VCF-style: chr15-87531320-G-A.
Other names: NC_000015.9:g.87531320G>A.
Identifiers: ClinVar variation 1685507 (VCV001685507.5), dbSNP rs79072327, ClinGen allele CA7716430.
Genomic context (GRCh38, chr15:86,988,089, plus strand): 5'-TTACCACTTTTTTGCCATTACAAACTTTTTCAAGATGAACCTTCTTCTGCATGTCTCCCC[G>A]TGAGTATGTCAGTTTCCTGATTGTACATTGCTTGGGGCGGGGATTGCTGGATGAAATACC-3'

ClinVar aggregate classification (germline): Conflicting classifications of pathogenicity. Review status: criteria provided, conflicting classifications (1 of 4 stars). 2 submissions from 2 submitters: Uncertain significance (1); Benign (1). Last evaluated 2025-07-31.

Conditions:
AGBL1-related disorder. Also called: AGBL1-related condition.
Corneal dystrophy, Fuchs endothelial, 8 (FECD8). Identifiers: Orphanet 98974, MedGen C3809798, MONDO:0014228, OMIM 615523.

Allele frequency attached by ClinVar (database versions not stated): 1000 Genomes Project 0.00519; ESP Exome Variant Server 0.00008.
gnomAD v4.1: 1,907 of 1,613,002 alleles (0.12%); highest among the groups gnomAD compares: East Asian, 3.4%; 40 homozygotes.

Submissions (4):

PreventionGenetics, part of Exact Sciences
Classification: Benign for AGBL1-related condition. Last evaluated: 2025-07-31. Review status: criteria provided, single submitter. Criteria: ACMG Guidelines, 2015. Collection method: clinical testing. Allele origin: germline.
Comment: This variant is classified as benign based on ACMG/AMP sequence variant interpretation guidelines (Richards et al. 2015 PMID: 25741868, with internal and published modifications).

Mendelics
Classification: Uncertain significance for Corneal dystrophy, Fuchs endothelial, 8. Last evaluated: 2023-12-12. Review status: criteria provided, single submitter. Criteria: Mendelics Assertion Criteria 2019. Collection method: clinical testing. Allele origin: germline.

Dr. Peter K. Rogan Lab, Western University
No classification provided (evidence only). Condition: Gastric cancer. Review status: no classification provided. Collection method: in vitro. Allele origin: not applicable. Functional consequence: retained intron. Not counted in ClinVar's aggregate classification.

Dr. Peter K. Rogan Lab, Western University
No classification provided (evidence only). Condition: Malignant tumor of esophagus. Review status: no classification provided. Collection method: in vitro. Allele origin: not applicable. Functional consequence: retained intron. Not counted in ClinVar's aggregate classification.